The following is an entry in ClinVar:

NM_000038.6(APC):c.3662C>T (p.Pro1221Leu)

Gene: APC (APC regulator of Wnt signaling pathway; plus strand). Cytogenetic location: 5q22.2.
Variant type: single nucleotide variant.
Coding change: c.3662C>T on transcript NM_000038.6 (MANE Select); coding-DNA position 3662, C replaced by T.
Protein change: p.Pro1221Leu; replaces proline 1221 with leucine.
Molecular consequence: missense variant. On other transcripts: non-coding transcript variant (2).
Genome position (GRCh38, 1-based): chr5:112,839,256, C>T. VCF-style: chr5-112839256-C-T. GRCh37 (hg19) VCF-style: chr5-112174953-C-T.
Other names: c.3662C>T, p.Pro1221Leu (NM_001127510.3, NM_001354895.2, NM_001407450.1); c.3608C>T, p.Pro1203Leu (NM_001127511.3); c.3716C>T, p.Pro1239Leu (NM_001354896.2, NM_001407447.1, NM_001407448.1 and 1 more transcripts); c.3692C>T, p.Pro1231Leu (NM_001354897.2); c.3587C>T, p.Pro1196Leu (NM_001354898.2); c.3578C>T, p.Pro1193Leu (NM_001354899.2); c.3539C>T, p.Pro1180Leu (NM_001354900.2); c.3485C>T, p.Pro1162Leu (NM_001354901.2, NM_001407453.1); and 11 more; short protein forms P1095L, P1138L, P1193L, P1221L, P1061L, P1120L, P1162L, P1203L.
Identifiers: ClinVar variation 3929814 (VCV003929814.1).

ClinVar aggregate classification (germline): Uncertain significance (1 of 4 stars; one submission).

Conditions:
Hereditary cancer-predisposing syndrome. Also called: Hereditary Cancer Syndrome; Hereditary neoplastic syndrome; Neoplastic Syndromes, Hereditary; Tumor predisposition. Identifiers: Orphanet 140162, MedGen C0027672, MeSH D009386, MONDO:0015356.

Submission:

Ambry Genetics
Classification: Uncertain significance for Hereditary cancer-predisposing syndrome. Last evaluated: 2025-06-01. Review status: criteria provided, single submitter. Criteria: Ambry Variant Classification Scheme 2023. Collection method: clinical testing. Allele origin: germline.
Comment: The p.P1221L variant (also known as c.3662C>T), located in coding exon 15 of the APC gene, results from a C to T substitution at nucleotide position 3662. The proline at codon 1221 is replaced by leucine, an amino acid with similar properties. This amino acid position is conserved. In addition, in silico predictors for this gene do not accurately predict pathogenicity. Based on the available evidence, the clinical significance of this variant remains unclear.